The following is an entry in ClinVar:

NM_001372044.2(SHANK3):c.41C>T (p.Pro14Leu)

Gene: SHANK3 (SH3 and multiple ankyrin repeat domains 3; plus strand). Cytogenetic location: 22q13.33.
Variant type: single nucleotide variant.
Coding change: c.41C>T on transcript NM_001372044.2 (MANE Select); coding-DNA position 41, C replaced by T.
Protein change: p.Pro14Leu; replaces proline 14 with leucine.
Molecular consequence: missense variant.
Genome position (GRCh38, 1-based): chr22:50,674,455, C>T. VCF-style: chr22-50674455-C-T. GRCh37 (hg19) VCF-style: chr22-51112883-C-T.
Other names: short protein forms P14L.
Identifiers: ClinVar variation 3342091 (VCV003342091.16).

ClinVar aggregate classification (germline): Uncertain significance (1 of 4 stars; one submission).

Submission:

CeGaT Center for Human Genetics Tuebingen
Classification: Uncertain significance. Last evaluated: 2024-08-01. Review status: criteria provided, single submitter. Criteria: CeGaT Center For Human Genetics Tuebingen Variant Classification Criteria Version 2. Collection method: clinical testing. Allele origin: germline. Affected: yes. Observed: 1 variant allele.
Comment: SHANK3: PM2, PP2